The following is an entry in ClinVar:

ClinVar aggregate classification (germline): Uncertain significance. Review status: criteria provided, multiple submitters, no conflicts (2 of 4 stars). 2 submissions from 2 submitters: Uncertain significance (2). Last evaluated 2025-11-19.

Conditions:
Inborn genetic diseases. Identifiers: MedGen C0950123, MeSH D030342.

Submissions (2):

Ambry Genetics
Classification: Uncertain significance for Inborn genetic diseases. Last evaluated: 2025-11-19. Review status: criteria provided, single submitter. Criteria: Ambry Variant Classification Scheme 2023. Collection method: clinical testing. Allele origin: germline.

Labcorp Genetics (formerly Invitae), Labcorp
Classification: Uncertain significance. Last evaluated: 2022-12-24. Review status: criteria provided, single submitter. Criteria: Invitae Variant Classification Sherloc (09022015). Collection method: clinical testing. Allele origin: germline.
Comment: In summary, the available evidence is currently insufficient to determine the role of this variant in disease. Therefore, it has been classified as a Variant of Uncertain Significance. Advanced modeling of protein sequence and biophysical properties (such as structural, functional, and spatial information, amino acid conservation, physicochemical variation, residue mobility, and thermodynamic stability) performed at Invitae indicates that this missense variant is not expected to disrupt RUNX2 protein function. This variant has not been reported in the literature in individuals affected with RUNX2-related conditions. This variant is not present in population databases (gnomAD no frequency). This sequence change replaces methionine, which is neutral and non-polar, with leucine, which is neutral and non-polar, at codon 102 of the RUNX2 protein (p.Met102Leu).

NM_001024630.4(RUNX2):c.304A>T (p.Met102Leu)

Gene: RUNX2 (RUNX family transcription factor 2; plus strand). Cytogenetic location: 6p21.1.
Variant type: single nucleotide variant.
Coding change: c.304A>T on transcript NM_001024630.4 (MANE Select); coding-DNA position 304, A replaced by T.
Protein change: p.Met102Leu; replaces methionine 102 with leucine.
Molecular consequence: missense variant.
Genome position (GRCh38, 1-based): chr6:45,422,838, A>T. VCF-style: chr6-45422838-A-T. GRCh37 (hg19) VCF-style: chr6-45390575-A-T.
Other names: c.304A>T, p.Met102Leu (NM_001015051.4); c.262A>T, p.Met88Leu (NM_001278478.2, NM_001369405.1, NM_004348.3); short protein forms M88L, M102L.
Identifiers: ClinVar variation 2214071 (VCV002214071.6), dbSNP rs376849024, ClinGen allele CA363958283.
Genomic context (GRCh38, chr6:45,422,838, plus strand): 5'-GCGGCTGCGGCGGCGGCAGCTGCAGTGCCCCGGTTGCGGCCGCCCCACGACAACCGCACC[A>T]TGGTGGAGATCATCGCCGACCACCCGGCCGAACTCGTCCGCACCGACAGCCCCAACTTCC-3'
Protein context (NP_001019801.3, residues 92-112): RLRPPHDNRT[Met102Leu]VEIIADHPAE